The following is an entry in ClinVar:

ClinVar aggregate classification (germline): Uncertain significance (1 of 4 stars; one submission).

Conditions:
Hereditary cancer-predisposing syndrome. Also called: Neoplastic Syndromes, Hereditary; Tumor predisposition; Hereditary Cancer Syndrome; Hereditary neoplastic syndrome. Identifiers: Orphanet 140162, MedGen C0027672, MeSH D009386, MONDO:0015356.

Submission:

Ambry Genetics
Classification: Uncertain significance for Hereditary cancer-predisposing syndrome. Last evaluated: 2023-01-30. Review status: criteria provided, single submitter. Criteria: Ambry Variant Classification Scheme 2023. Collection method: clinical testing. Allele origin: germline.
Comment: The p.L970F variant (also known as c.2908C>T), located in coding exon 9 of the PALB2 gene, results from a C to T substitution at nucleotide position 2908. The leucine at codon 970 is replaced by phenylalanine, an amino acid with highly similar properties. This amino acid position is well conserved in available vertebrate species. In addition, this alteration is predicted to be tolerated by in silico analysis. Since supporting evidence is limited at this time, the clinical significance of this alteration remains unclear.

NM_024675.4(PALB2):c.2908C>T (p.Leu970Phe)

Gene: PALB2 (partner and localizer of BRCA2; minus strand). Cytogenetic location: 16p12.2.
Variant type: single nucleotide variant.
Coding change: c.2908C>T on transcript NM_024675.4 (MANE Select); coding-DNA position 2908, C replaced by T.
Protein change: p.Leu970Phe; replaces leucine 970 with phenylalanine.
Molecular consequence: missense variant.
Genome position (GRCh38, 1-based): chr16:23,623,057, G>A on the plus strand (C>T on the coding strand, the complement: PALB2 is on the minus strand). VCF-style: chr16-23623057-G-A. GRCh37 (hg19) VCF-style: chr16-23634378-G-A.
Other names: c.2848C>T, p.Leu950Phe (NM_001407296.1); c.2836C>T, p.Leu946Phe (NM_001407297.1); c.2746C>T, p.Leu916Phe (NM_001407298.1, NM_001407302.1); c.2908C>T, p.Leu970Phe (NM_001407299.1, NM_001407301.1); c.2023C>T, p.Leu675Phe (NM_001407304.1, NM_001407305.1, NM_001407306.1 and 4 more transcripts); c.1861C>T, p.Leu621Phe (NM_001407307.1); c.1120C>T, p.Leu374Phe (NM_001407312.1, NM_001407313.1); c.442C>T, p.Leu148Phe (NM_001407314.1); short protein forms L621F, L946F, L374F, L916F, L970F, L675F, L950F, L148F.
Identifiers: ClinVar variation 1797532 (VCV001797532.3), dbSNP rs2142336277, ClinGen allele CA395144233.